The following is an entry in ClinVar:

NM_018249.6(CDK5RAP2):c.2535A>C (p.Pro845=)

Gene: CDK5RAP2 (CDK5 regulatory subunit associated protein 2; minus strand). Cytogenetic location: 9q33.2.
Variant type: single nucleotide variant.
Coding change: c.2535A>C on transcript NM_018249.6 (MANE Select); coding-DNA position 2535, A replaced by C.
Protein change: p.Pro845=; no amino-acid change (proline 845 retained).
Molecular consequence: synonymous variant. On other transcripts: non-coding transcript variant (5), intron variant (1).
Genome position (GRCh38, 1-based): chr9:120,453,714, T>G on the plus strand (A>C on the coding strand, the complement: CDK5RAP2 is on the minus strand). VCF-style: chr9-120453714-T-G. GRCh37 (hg19) VCF-style: chr9-123215992-T-G.
Other names: c.2535A>C, p.Pro845= (NM_001011649.3); c.2436A>C, p.Pro812= (NM_001410992.1); c.2439A>C, p.Pro813= (NM_001410993.1); c.2532A>C, p.Pro844= (NM_001410994.1); c.2104-5588A>C (NM_001272039.2).
Identifiers: ClinVar variation 2659468 (VCV002659468.24), dbSNP rs928134158, ClinGen allele CA467071269.

ClinVar aggregate classification (germline): Likely benign (1 of 4 stars; one submission).

Submission:

CeGaT Center for Human Genetics Tuebingen
Classification: Likely benign. Last evaluated: 2022-08-01. Review status: criteria provided, single submitter. Criteria: CeGaT Center For Human Genetics Tuebingen Variant Classification Criteria Version 2. Collection method: clinical testing. Allele origin: germline. Affected: yes. Observed: 1 variant allele.
Comment: CDK5RAP2: PM2:Supporting, BP4, BP7